The following is an entry in ClinVar:

ClinVar aggregate classification (germline): Likely pathogenic (1 of 4 stars; one submission).

Conditions:
KYNU-related disorder. Also called: KYNU-related condition; KYNU-related disorders.

gnomAD v4.1: 24 of 1,602,314 alleles (0.0015%); highest among the groups gnomAD compares: African/African-American, 0.008%; no homozygotes.

Submission:

PreventionGenetics, part of Exact Sciences
Classification: Likely pathogenic for KYNU-related condition. Last evaluated: 2026-09-04. Review status: criteria provided, single submitter. Criteria: ACMG Guidelines, 2015. Collection method: clinical testing. Allele origin: germline.
Comment: The KYNU c.463C>T variant is predicted to result in premature protein termination (p.Arg155*). To our knowledge, this variant has not been reported in the literature. This variant is reported in 0.027% of alleles in individuals of East Asian descent in gnomAD. Nonsense variants in KYNU are expected to be pathogenic. This variant is interpreted as likely pathogenic.

NM_003937.3(KYNU):c.463C>T (p.Arg155Ter)

Gene: KYNU (kynureninase; plus strand). Cytogenetic location: 2q22.2.
Variant type: single nucleotide variant.
Coding change: c.463C>T on transcript NM_003937.3 (MANE Select); coding-DNA position 463, C replaced by T.
Protein change: p.Arg155Ter; replaces arginine 155 with a stop codon.
Molecular consequence: nonsense.
Genome position (GRCh38, 1-based): chr2:142,956,230, C>T. VCF-style: chr2-142956230-C-T. GRCh37 (hg19) VCF-style: chr2-143713799-C-T.
Other names: c.463C>T, p.Arg155Ter (NM_001032998.2, NM_001199241.2); short protein forms R155*.
Identifiers: ClinVar variation 4977333 (VCV004977333.1).
Genomic context (GRCh38, chr2:142,956,230, plus strand): 5'-TAATGCTTTCTCAATAAATCCATTTTATTGCAGTTATCATTTTTTAAGCCTACGCCAAAA[C>T]GATATAAAATTCTTCTAGAAGCCAAAGCCTTCCCTTCTGATCATGTAAGGACTTCTTCAA-3'